The following is an entry in ClinVar:

NM_001256864.2(DNAJC6):c.1446C>A (p.Phe482Leu)

Gene: DNAJC6 (DnaJ heat shock protein family (Hsp40) member C6; plus strand). Cytogenetic location: 1p31.3.
Variant type: single nucleotide variant.
Coding change: c.1446C>A on transcript NM_001256864.2 (MANE Select); coding-DNA position 1446, C replaced by A.
Protein change: p.Phe482Leu; replaces phenylalanine 482 with leucine.
Molecular consequence: missense variant.
Genome position (GRCh38, 1-based): chr1:65,389,605, C>A. VCF-style: chr1-65389605-C-A. GRCh37 (hg19) VCF-style: chr1-65855288-C-A.
Other names: c.1236C>A, p.Phe412Leu (NM_001256865.2); c.1275C>A, p.Phe425Leu (NM_014787.4); short protein forms F412L, F482L, F425L.
Identifiers: ClinVar variation 1409187 (VCV001409187.6), dbSNP rs1645906223, ClinGen allele CA340687188.

ClinVar aggregate classification (germline): Uncertain significance (1 of 4 stars; one submission).

Conditions:
Juvenile onset Parkinson disease 19A. Also called: PARK19; DNAJC6 Parkinson Disease. Identifiers: Orphanet 391411, MedGen C3809811, MONDO:0014231, OMIM 615528.

Allele frequency attached by ClinVar (database versions not stated): TOPMed below 0.00001.

Submission:

Labcorp Genetics (formerly Invitae), Labcorp
Classification: Uncertain significance for Juvenile onset Parkinson disease 19A. Last evaluated: 2025-08-11. Review status: criteria provided, single submitter. Criteria: Invitae Variant Classification Sherloc (09022015). Collection method: clinical testing. Allele origin: germline.
Comment: This sequence change replaces phenylalanine, which is neutral and non-polar, with leucine, which is neutral and non-polar, at codon 482 of the DNAJC6 protein (p.Phe482Leu). This variant is not present in population databases (gnomAD no frequency). This variant has not been reported in the literature in individuals affected with DNAJC6-related conditions. ClinVar contains an entry for this variant (Variation ID: 1409187). An algorithm developed to predict the effect of missense changes on protein structure and function (PolyPhen-2) suggests that this variant is likely to be tolerated. In summary, the available evidence is currently insufficient to determine the role of this variant in disease. Therefore, it has been classified as a Variant of Uncertain Significance.